The following is an entry in ClinVar:

ClinVar aggregate classification (germline): Pathogenic (1 of 4 stars; one submission).

Conditions:
Inborn genetic diseases. Identifiers: MedGen C0950123, MeSH D030342.

Submission:

Ambry Genetics
Classification: Pathogenic for Inborn genetic diseases. Last evaluated: 2025-08-04. Review status: criteria provided, single submitter. Criteria: Ambry Variant Classification Scheme 2023. Collection method: clinical testing. Allele origin: germline.
Comment: The c.813C>G (p.Y271*) alteration, located in exon 1 (coding exon 1) of the EXT1 gene, consists of a C to G substitution at nucleotide position 813. This changes the amino acid from a tyrosine (Y) to a stop codon at amino acid position 271. This alteration is expected to result in loss of function by premature protein truncation or nonsense-mediated mRNA decay. This variant was not reported in population-based cohorts in the Genome Aggregation Database (gnomAD). This variant was reported in an individual with features consistent with EXT1-related multiple osteochondromas (Jennes, 2009). Based on the available evidence, this alteration is classified as pathogenic.

Literature cited by the submitters: PubMed 19810120.

NM_000127.3(EXT1):c.813C>G (p.Tyr271Ter)

Gene: EXT1 (exostosin glycosyltransferase 1; minus strand). Cytogenetic location: 8q24.11.
Variant type: single nucleotide variant.
Coding change: c.813C>G on transcript NM_000127.3 (MANE Select); coding-DNA position 813, C replaced by G.
Protein change: p.Tyr271Ter; replaces tyrosine 271 with a stop codon.
Molecular consequence: nonsense.
Genome position (GRCh38, 1-based): chr8:118,110,234, G>C on the plus strand (C>G on the coding strand, the complement: EXT1 is on the minus strand). VCF-style: chr8-118110234-G-C. GRCh37 (hg19) VCF-style: chr8-119122473-G-C.
Other names: short protein forms Y271*.
Identifiers: ClinVar variation 4252113 (VCV004252113.1).